The following is an entry in ClinVar:

NM_004360.5(CDH1):c.1079C>T (p.Thr360Ile)

Gene: CDH1 (cadherin 1; plus strand). Cytogenetic location: 16q22.1.
Variant type: single nucleotide variant.
Coding change: c.1079C>T on transcript NM_004360.5 (MANE Select); coding-DNA position 1079, C replaced by T.
Protein change: p.Thr360Ile; replaces threonine 360 with isoleucine.
Molecular consequence: missense variant. On other transcripts: 5 prime UTR variant (2).
Genome position (GRCh38, 1-based): chr16:68,812,205, C>T. VCF-style: chr16-68812205-C-T. GRCh37 (hg19) VCF-style: chr16-68846108-C-T.
Other names: c.1079C>T, p.Thr360Ile (NM_001317184.2); c.-537C>T (NM_001317185.2); c.-741C>T (NM_001317186.2); short protein forms T360I.
Identifiers: ClinVar variation 1422985 (VCV001422985.9), dbSNP rs549579183, ClinGen allele CA396460064.

ClinVar aggregate classification (germline): Uncertain significance. Review status: criteria provided, multiple submitters, no conflicts (2 of 4 stars). 2 submissions from 2 submitters: Uncertain significance (2). Last evaluated 2025-03-05.

Conditions:
Hereditary diffuse gastric adenocarcinoma (HDGC). Also called: DIFFUSE GASTRIC AND LOBULAR BREAST CANCER SYNDROME. Identifiers: Orphanet 26106, MedGen C1708349, MONDO:0007648, OMIM 137215.
Hereditary cancer-predisposing syndrome. Also called: Hereditary neoplastic syndrome; Tumor predisposition; Hereditary Cancer Syndrome; Neoplastic Syndromes, Hereditary. Identifiers: Orphanet 140162, MedGen C0027672, MeSH D009386, MONDO:0015356.

gnomAD v4.1: 1 of 1,613,824 alleles (0.000062%); highest among the groups gnomAD compares: Non-Finnish European, 0.000085%; no homozygotes.

Submissions (2):

Ambry Genetics
Classification: Uncertain significance for Hereditary cancer-predisposing syndrome. Last evaluated: 2025-03-05. Review status: criteria provided, single submitter. Criteria: Ambry Variant Classification Scheme 2023. Collection method: clinical testing. Allele origin: germline.
Comment: The p.T360I variant (also known as c.1079C>T), located in coding exon 8 of the CDH1 gene, results from a C to T substitution at nucleotide position 1079. The threonine at codon 360 is replaced by isoleucine, an amino acid with similar properties. This amino acid position is not well conserved in available vertebrate species. In addition, this alteration is predicted to be tolerated by in silico analysis. Since supporting evidence is limited at this time, the clinical significance of this alteration remains unclear.

Labcorp Genetics (formerly Invitae), Labcorp
Classification: Uncertain significance for Hereditary diffuse gastric adenocarcinoma. Last evaluated: 2023-02-14. Review status: criteria provided, single submitter. Criteria: Invitae Variant Classification Sherloc (09022015). Collection method: clinical testing. Allele origin: germline.
Comment: In summary, the available evidence is currently insufficient to determine the role of this variant in disease. Therefore, it has been classified as a Variant of Uncertain Significance. Algorithms developed to predict the effect of missense changes on protein structure and function (SIFT, PolyPhen-2, Align-GVGD) all suggest that this variant is likely to be tolerated. ClinVar contains an entry for this variant (Variation ID: 1422985). This variant has not been reported in the literature in individuals affected with CDH1-related conditions. This variant is not present in population databases (gnomAD no frequency). This sequence change replaces threonine, which is neutral and polar, with isoleucine, which is neutral and non-polar, at codon 360 of the CDH1 protein (p.Thr360Ile).